The following is an entry in ClinVar:

NM_018685.5(ANLN):c.1528A>T (p.Thr510Ser)

Gene: ANLN (anillin, actin binding protein; plus strand). Cytogenetic location: 7p14.2.
Variant type: single nucleotide variant.
Coding change: c.1528A>T on transcript NM_018685.5 (MANE Select); coding-DNA position 1528, A replaced by T.
Protein change: p.Thr510Ser; replaces threonine 510 with serine.
Molecular consequence: missense variant. On other transcripts: intron variant (2).
Genome position (GRCh38, 1-based): chr7:36,417,085, A>T. VCF-style: chr7-36417085-A-T. GRCh37 (hg19) VCF-style: chr7-36456694-A-T.
Other names: c.1522+1201A>T (NM_001284301.3, NM_001284302.3); short protein forms T510S.
Identifiers: ClinVar variation 1964821 (VCV001964821.5), dbSNP rs987448019, ClinGen allele CA157083746.

ClinVar aggregate classification (germline): Uncertain significance (1 of 4 stars; one submission).

Submission:

Labcorp Genetics (formerly Invitae), Labcorp
Classification: Uncertain significance. Last evaluated: 2022-07-31. Review status: criteria provided, single submitter. Criteria: Invitae Variant Classification Sherloc (09022015). Collection method: clinical testing. Allele origin: germline.
Comment: This variant has not been reported in the literature in individuals affected with ANLN-related conditions. In summary, the available evidence is currently insufficient to determine the role of this variant in disease. Therefore, it has been classified as a Variant of Uncertain Significance. Algorithms developed to predict the effect of missense changes on protein structure and function output the following: SIFT: "Tolerated"; PolyPhen-2: "Benign"; Align-GVGD: "Class C0". The serine amino acid residue is found in multiple mammalian species, which suggests that this missense change does not adversely affect protein function. This variant is not present in population databases (gnomAD no frequency). This sequence change replaces threonine, which is neutral and polar, with serine, which is neutral and polar, at codon 510 of the ANLN protein (p.Thr510Ser).